The following is an entry in ClinVar:

ClinVar aggregate classification (germline): Conflicting classifications of pathogenicity. Review status: criteria provided, conflicting classifications (1 of 4 stars). 2 submissions from 2 submitters: Uncertain significance (1); Likely benign (1). Last evaluated 2022-08-22.

Conditions:
Rolandic epilepsy, impaired intellectual development, and speech dyspraxia, X-linked. Also called: Rolandic epilepsy, intellectual disability, and speech dyspraxia, X-linked; Rolandic epilepsy, impaired intellectual development, and speech dyspraxia. Identifiers: MedGen C1845070, MONDO:0010388, OMIM 300643.

Allele frequency attached by ClinVar (database versions not stated): gnomAD exomes 0.00001 and 0.00002; ExAC 0.00005; TOPMed 0.00009; gnomAD 0.00011; ESP Exome Variant Server 0.00019.

Submissions (2):

Labcorp Genetics (formerly Invitae), Labcorp
Classification: Uncertain significance for Rolandic epilepsy, impaired intellectual development, and speech dyspraxia, X-linked. Last evaluated: 2022-08-22. Review status: criteria provided, single submitter. Criteria: Invitae Variant Classification Sherloc (09022015). Collection method: clinical testing. Allele origin: germline.
Comment: This variant is present in population databases (rs141292909, gnomAD 0.03%). In summary, the available evidence is currently insufficient to determine the role of this variant in disease. Therefore, it has been classified as a Variant of Uncertain Significance. Algorithms developed to predict the effect of missense changes on protein structure and function output the following: SIFT: "Tolerated"; PolyPhen-2: "Benign"; Align-GVGD: "Class C0". The serine amino acid residue is found in multiple mammalian species, which suggests that this missense change does not adversely affect protein function. ClinVar contains an entry for this variant (Variation ID: 207384). This variant has not been reported in the literature in individuals affected with SRPX2-related conditions. This sequence change replaces asparagine, which is neutral and polar, with serine, which is neutral and polar, at codon 400 of the SRPX2 protein (p.Asn400Ser).

GeneDx
Classification: Likely benign. Last evaluated: 2018-11-13. Review status: criteria provided, single submitter. Criteria: GeneDx Variant Classification Process June 2021. Collection method: clinical testing. Allele origin: germline. Affected: yes.

NM_014467.3(SRPX2):c.1199A>G (p.Asn400Ser)

Gene: SRPX2 (sushi repeat containing protein X-linked 2; plus strand). Cytogenetic location: Xq22.1.
Variant type: single nucleotide variant.
Coding change: c.1199A>G on transcript NM_014467.3 (MANE Select); coding-DNA position 1199, A replaced by G.
Protein change: p.Asn400Ser; replaces asparagine 400 with serine.
Molecular consequence: missense variant.
Genome position (GRCh38, 1-based): chrX:100,669,351, A>G. VCF-style: chrX-100669351-A-G. GRCh37 (hg19) VCF-style: chrX-99924348-A-G.
Other names: p.N400S:AAC>AGC; short protein forms N400S.
Identifiers: ClinVar variation 207384 (VCV000207384.11), dbSNP rs141292909, ClinGen allele CA318795.
Genomic context (GRCh38, chrX:100,669,351, plus strand): 5'-AACTGGTGGGACAGCCACCTCAGGAGGTGGGGCGCATCCGGGAGCAACAGCTGTCAGCCA[A>G]CATCATCGAGGAGCTCAGGTCCAGGCTGGGAGGCTGCCAAACTTGGGGGGAGGGGGGGCT-3'
Protein context (NP_055282.1, residues 390-410): GRIREQQLSA[Asn400Ser]IIEELRQFQR